The following is an entry in ClinVar:

ClinVar aggregate classification (germline): Pathogenic (1 of 4 stars; one submission).

Submission:

Labcorp Genetics (formerly Invitae), Labcorp
Classification: Pathogenic. Last evaluated: 2019-11-28. Review status: criteria provided, single submitter. Criteria: Invitae Variant Classification Sherloc (09022015). Collection method: clinical testing. Allele origin: germline.
Comment: For these reasons, this variant has been classified as Pathogenic. Loss-of-function variants in ATR are known to be pathogenic (PMID: 21228398, 23144622). This variant has not been reported in the literature in individuals with ATR-related conditions. This variant is an out-of-frame deletion of the genomic region encompassing exons 35-36 of the ATR gene. This is expected to create a premature translational stop signal and result in an absent or disrupted protein product.

Literature cited by the submitters: PubMed 21228398; PubMed 23144622.

NC_000003.12:g.(?_142485130)_(142493321_?)del

Gene: ATR (ATR serine/threonine kinase; minus strand). Cytogenetic location: 3q23.
Variant type: Deletion.
Identifiers: ClinVar variation 831378 (VCV000831378.5).